The following is an entry in ClinVar:

NM_020806.5(GPHN):c.851G>A (p.Arg284His)

Gene: GPHN (gephyrin; plus strand). Cytogenetic location: 14q23.3.
Variant type: single nucleotide variant.
Coding change: c.851G>A on transcript NM_020806.5 (MANE Select); coding-DNA position 851, G replaced by A.
Protein change: p.Arg284His; replaces arginine 284 with histidine.
Molecular consequence: missense variant.
Genome position (GRCh38, 1-based): chr14:66,965,213, G>A. VCF-style: chr14-66965213-G-A. GRCh37 (hg19) VCF-style: chr14-67431930-G-A.
Other names: c.752G>A, p.Arg251His (NM_001024218.2, NM_001377515.1, NM_001377516.1 and 2 more transcripts); c.791G>A, p.Arg264His (NM_001377514.1, NM_001377519.1); short protein forms R251H, R264H, R284H.
Identifiers: ClinVar variation 3672539 (VCV003672539.2).
Genomic context (GRCh38, chr14:66,965,213, plus strand): 5'-TTTCAGAATATTAAACCATAGTTGTTCCCCTTGTTCAGATTCCAGACTCCATCATTTCTC[G>A]TGGTGTTCAGGTGCTCCCACGAGACACAGCCTCCCTCAGCACTACTCCTTCAGAATCGCC-3'
Protein context (NP_065857.1, residues 274-294): DERIPDSIIS[Arg284His]GVQVLPRDTA

ClinVar aggregate classification (germline): Uncertain significance (1 of 4 stars; one submission).

Conditions:
Sulfite oxidase deficiency due to molybdenum cofactor deficiency type C. Also called: Molybdenum cofactor deficiency, complementation group C; Molybdenum cofactor deficiency C. Identifiers: Orphanet 308400, Orphanet 833, MedGen C1854990, MONDO:0014212, OMIM 615501.

gnomAD v4.1: 4 of 1,611,782 alleles (0.00025%); highest among the groups gnomAD compares: Non-Finnish European, 0.00034%; no homozygotes.

Submission:

Labcorp Genetics (formerly Invitae), Labcorp
Classification: Uncertain significance for Sulfite oxidase deficiency due to molybdenum cofactor deficiency type C. Last evaluated: 2024-08-28. Review status: criteria provided, single submitter. Criteria: Invitae Variant Classification Sherloc (09022015). Collection method: clinical testing. Allele origin: germline.
Comment: This sequence change replaces arginine, which is basic and polar, with histidine, which is basic and polar, at codon 284 of the GPHN protein (p.Arg284His). This variant is present in population databases (rs763465085, gnomAD 0.006%). This missense change has been observed in individual(s) with autism (PMID: 35982159, 35982160). Invitae Evidence Modeling of protein sequence and biophysical properties (such as structural, functional, and spatial information, amino acid conservation, physicochemical variation, residue mobility, and thermodynamic stability) indicates that this missense variant is not expected to disrupt GPHN protein function with a negative predictive value of 80%. In summary, the available evidence is currently insufficient to determine the role of this variant in disease. Therefore, it has been classified as a Variant of Uncertain Significance.

Literature cited by the submitters: PubMed 35982159; PubMed 35982160.